The following is an entry in ClinVar:

ClinVar aggregate classification (germline): Uncertain significance (1 of 4 stars; one submission).

Submission:

Athena Diagnostics
Classification: Uncertain significance. Last evaluated: 2022-11-07. Review status: criteria provided, single submitter. Criteria: Athena Diagnostics Criteria. Collection method: clinical testing. Allele origin: unknown.
Comment: Available data are insufficient to determine the clinical significance of the variant at this time. This variant has not been reported in large, multi-ethnic general populations. Computational tools disagree on the variant's effect on normal protein function.

NM_000144.5(FXN):c.623A>G (p.Lys208Arg)

Gene: FXN (frataxin; plus strand). Cytogenetic location: 9q21.11.
Variant type: single nucleotide variant.
Coding change: c.623A>G on transcript NM_000144.5 (MANE Select); coding-DNA position 623, A replaced by G.
Protein change: p.Lys208Arg; replaces lysine 208 with arginine.
Molecular consequence: missense variant. On other transcripts: 3 prime UTR variant (1).
Genome position (GRCh38, 1-based): chr9:69,072,752, A>G. VCF-style: chr9-69072752-A-G. GRCh37 (hg19) VCF-style: chr9-71687668-A-G.
Other names: c.*40A>G (NM_181425.3); short protein forms K208R.
Identifiers: ClinVar variation 2684199 (VCV002684199.1), dbSNP rs2539217373, ClinGen allele CA373623819.